The following is an entry in ClinVar:

NM_014629.4(ARHGEF10):c.2197C>T (p.His733Tyr)

Genes: ARHGEF10 (Rho guanine nucleotide exchange factor 10; plus strand), LOC126860281 (CDK7 strongly-dependent group 2 enhancer GRCh37_chr8:1870370-1871569; plus strand). Cytogenetic location: 8p23.3.
Variant type: single nucleotide variant.
Coding change: c.2197C>T on transcript NM_014629.4 (MANE Select); coding-DNA position 2197, C replaced by T.
Protein change: p.His733Tyr; replaces histidine 733 with tyrosine.
Molecular consequence: missense variant.
Genome position (GRCh38, 1-based): chr8:1,923,017, C>T. VCF-style: chr8-1923017-C-T. GRCh37 (hg19) VCF-style: chr8-1871183-C-T.
Other names: c.2083C>T, p.His695Tyr (NM_001308152.2); c.2197C>T, p.His733Tyr (NM_001308153.3); short protein forms H733Y, H695Y, H757Y.
Identifiers: ClinVar variation 157538 (VCV000157538.52), dbSNP rs147531758, ClinGen allele CA270961.

ClinVar aggregate classification (germline): Conflicting classifications of pathogenicity. Review status: criteria provided, conflicting classifications (1 of 4 stars). 8 submissions from 8 submitters: Uncertain significance (2); Likely benign (5). 1 of the submissions does not count toward it. Last evaluated 2026-06-01.

Conditions:
ARHGEF10-related disorder. Also called: ARHGEF10-related condition.
Charcot-Marie-Tooth disease. Also called: Charcot-Marie-Tooth Hereditary Neuropathy; Charcot-Marie-Tooth Neuropathy. Identifiers: Orphanet 166, MedGen C0007959, MONDO:0015626.
Autosomal dominant slowed nerve conduction velocity. Identifiers: Orphanet 140481, MedGen C1842357, MONDO:0011998, OMIM 608236.

Allele frequency attached by ClinVar (database versions not stated): gnomAD exomes 0.00107; ExAC 0.00108; gnomAD 0.00119 and 0.00123; TOPMed 0.00121; 1000 Genomes Project 30x 0.00094; 1000 Genomes Project 0.00100; ESP Exome Variant Server 0.00131.
gnomAD v4.1: 2,820 of 1,613,580 alleles (0.17%); highest among the groups gnomAD compares: Non-Finnish European, 0.22%; 5 homozygotes.

Submissions (8):

PreventionGenetics, part of Exact Sciences
Classification: Likely benign for ARHGEF10-related condition. Last evaluated: 2026-06-01. Review status: criteria provided, single submitter. Criteria: ACMG Guidelines, 2015. Collection method: clinical testing. Allele origin: germline.
Comment: This variant is classified as likely benign based on ACMG/AMP sequence variant interpretation guidelines (Richards et al. 2015 PMID: 25741868, with internal and published modifications).

CeGaT Center for Human Genetics Tuebingen
Classification: Likely benign. Last evaluated: 2026-04-01. Review status: criteria provided, single submitter. Criteria: CeGaT Center For Human Genetics Tuebingen Variant Classification Criteria Version 2. Collection method: clinical testing. Allele origin: germline. Affected: yes. Observed: 8 variant alleles.
Comment: ARHGEF10: BS1

Women's Health and Genetics/Laboratory Corporation of America, LabCorp
Classification: Likely benign. Last evaluated: 2026-02-03. Review status: criteria provided, single submitter. Criteria: LabCorp Variant Classification Summary - May 2015. Collection method: clinical testing. Allele origin: germline.

Labcorp Genetics (formerly Invitae), Labcorp
Classification: Likely benign. Last evaluated: 2026-01-16. Review status: criteria provided, single submitter. Criteria: Invitae Variant Classification Sherloc (09022015). Collection method: clinical testing. Allele origin: germline.

Blueprint Genetics
Classification: Likely benign. Last evaluated: 2024-10-21. Review status: criteria provided, single submitter. Criteria: ACMG Guidelines, 2015. Collection method: clinical testing. Allele origin: germline.

ARUP Laboratories, Molecular Genetics and Genomics, ARUP Laboratories
Classification: Uncertain significance for Autosomal dominant slowed nerve conduction velocity. Last evaluated: 2023-10-02. Review status: criteria provided, single submitter. Criteria: ARUP Molecular Germline Variant Investigation Process 2024. Collection method: clinical testing. Allele origin: germline.

Mayo Clinic Laboratories, Mayo Clinic
Classification: Uncertain significance. Last evaluated: 2022-06-24. Review status: criteria provided, single submitter. Criteria: ACMG Guidelines, 2015. Collection method: clinical testing. Allele origin: germline. Observed: 1 variant allele.

Dept. of Medical Genetics, Telemark Hospital Trust, Telemark Hospital Trust
Classification: Uncertain significance for Charcot-Marie-Tooth disease. Last evaluated: 2013-11-01. Review status: no assertion criteria provided. Collection method: research. Allele origin: unknown. Affected: yes. Study: Charcot-Marie-Tooth disease study. Not counted in ClinVar's aggregate classification.
Comment: Populational based study of Charcot-Marie-Tooth disease in Norway

Literature cited by the submitters: PubMed 25025039 (cited by Mayo Clinic Laboratories, Mayo Clinic and Dept. of Medical Genetics, Telemark Hospital Trust, Telemark Hospital Trust); PMC 4306395 (cited by Dept. of Medical Genetics, Telemark Hospital Trust, Telemark Hospital Trust).